The following is an entry in ClinVar:

ClinVar aggregate classification (germline): Likely pathogenic (1 of 4 stars; one submission).

Conditions:
CD36-related disorder. Also called: CD36-related condition; CD36-related disorders.

Submission:

PreventionGenetics, part of Exact Sciences
Classification: Likely pathogenic for CD36-related condition. Last evaluated: 2025-04-09. Review status: criteria provided, single submitter. Criteria: ACMG Guidelines, 2015. Collection method: clinical testing. Allele origin: germline.
Comment: The CD36 c.61delG variant is predicted to result in a frameshift and premature protein termination (p.Val21Cysfs*6). To our knowledge, this variant has not been reported in the literature. This variant is reported in 0.00088% of alleles in individuals of European (Non-Finnish) descent in gnomAD. Frameshift variants in CD36 are expected to be pathogenic. This variant is interpreted as likely pathogenic.

NM_001001548.3(CD36):c.61del (p.Val21fs)

Gene: CD36 (CD36 molecule (CD36 blood group); plus strand). Cytogenetic location: 7q21.11.
Variant type: Deletion.
Coding change: c.61del on transcript NM_001001548.3 (MANE Select); coding-DNA position 61, one base deleted (G; older notation c.61delG).
Protein change: p.Val21fs; shifts the reading frame from valine 21.
Molecular consequence: frameshift variant. On other transcripts: 5 prime UTR variant (1), non-coding transcript variant (1), intron variant (2).
Genome position (GRCh38, 1-based): chr7:80,646,801, G deleted. VCF-style (leftmost placement, unchanged base first): chr7-80646800-TG-T. GRCh37 (hg19) VCF-style: chr7-80276116-TG-T.
Other names: c.61del, p.Val21fs (NM_000072.3, NM_001001547.3, NM_001127443.2 and 8 more transcripts); c.-422del (NM_001371081.1); c.-108-9739del (NM_001289911.2); c.-184-14262del (NM_001371080.1); short protein forms V21fs.
Identifiers: ClinVar variation 4984368 (VCV004984368.1).